The following is an entry in ClinVar:

NM_020751.3(COG6):c.1060del (p.Cys354fs)

Gene: COG6 (component of oligomeric golgi complex 6; plus strand). Cytogenetic location: 13q14.11.
Variant type: Deletion.
Coding change: c.1060del on transcript NM_020751.3 (MANE Select); coding-DNA position 1060, one base deleted (T; older notation c.1060delT).
Protein change: p.Cys354fs; shifts the reading frame from cysteine 354.
Molecular consequence: frameshift variant. On other transcripts: non-coding transcript variant (1).
Genome position (GRCh38, 1-based): chr13:39,689,810, T deleted. VCF-style (leftmost placement, unchanged base first): chr13-39689809-GT-G. GRCh37 (hg19) VCF-style: chr13-40263946-GT-G.
Other names: c.1060del, p.Cys354fs (NM_001145079.2); short protein forms C354fs.
Identifiers: ClinVar variation 2633023 (VCV002633023.1), dbSNP rs1357662240, ClinGen allele CA609459182.

ClinVar aggregate classification (germline): Likely pathogenic (1 of 4 stars; one submission).

Conditions:
COG6-related disorder.

Allele frequency attached by ClinVar (database versions not stated): gnomAD exomes below 0.00001; gnomAD 0.00002; TOPMed 0.00002.

Submission:

PreventionGenetics, part of Exact Sciences
Classification: Likely pathogenic for COG6-related condition. Last evaluated: 2023-05-16. Review status: criteria provided, single submitter. Criteria: ACMG Guidelines, 2015. Collection method: clinical testing. Allele origin: germline.
Comment: The COG6 c.1060delT variant is predicted to result in a frameshift and premature protein termination (p.Cys354Alafs*4). To our knowledge, this variant has not been reported in the literature. This variant is reported in 0.0018% of alleles in individuals of European (Non-Finnish) descent in gnomAD. Frameshift variants in COG6 are expected to be pathogenic. This variant is interpreted as likely pathogenic.